The following is an entry in ClinVar:

ClinVar aggregate classification (germline): Pathogenic/Likely pathogenic. Review status: criteria provided, multiple submitters, no conflicts (2 of 4 stars). 3 submissions from 3 submitters: Pathogenic (1); Likely pathogenic (1). 1 of the submissions does not count toward it. Last evaluated 2025-12-28.

Conditions:
POLE-related disorder. Also called: POLE-related disorders; POLE-related condition.

Submissions (3):

Labcorp Genetics (formerly Invitae), Labcorp
Classification: Pathogenic. Last evaluated: 2025-12-28. Review status: criteria provided, single submitter. Criteria: Invitae Variant Classification Sherloc (09022015). Collection method: clinical testing. Allele origin: germline.
Comment: This sequence change creates a premature translational stop signal (p.Gly496Alafs*10) in the POLE gene. It is expected to result in an absent or disrupted protein product. Loss-of-function variants in POLE are known to be pathogenic (PMID: 23230001, 25948378, 30503519). This variant is not present in population databases (gnomAD no frequency). This variant has not been reported in the literature in individuals affected with POLE-related conditions. ClinVar contains an entry for this variant (Variation ID: 545829). For these reasons, this variant has been classified as Pathogenic.

PreventionGenetics, part of Exact Sciences
Classification: Likely pathogenic for POLE-related condition. Last evaluated: 2023-03-13. Review status: criteria provided, single submitter. Criteria: ACMG Guidelines, 2015. Collection method: clinical testing. Allele origin: germline.
Comment: The POLE c.1487delG variant is predicted to result in a frameshift and premature protein termination (p.Gly496Alafs*10). To our knowledge, this variant has not been reported in the literature or in a large population database, indicating this variant is rare. This variant is interpreted as uncertain significance in ClinVar. Pathogenic variants in POLE leading to loss of POLE protein function have been reported in individuals with autosomal recessive intrauterine growth retardation, metaphyseal dysplasia, adrenal hypoplasia congenita, genital anomalies, and immunodeficiency (IMAGe-I) syndrome (Pachlopnik Schmid et al. 2012. PubMed ID: 23230001; Thiffault et al. 2015. PubMed ID: 25948378; Long et al. 2018. PubMed ID: 30503519; Nakano et al. 2022. PubMed ID: 35534205). This variant is interpreted as likely pathogenic for autosomal recessive IMAGe-I syndrome and as a variant of uncertain significance for autosomal dominant POLE-associated disorders.

GeneDx
Classification: Uncertain significance. Last evaluated: 2017-10-13. Review status: flagged submission. Criteria: GeneDx Variant Classification (06012015). Collection method: clinical testing. Allele origin: germline. Affected: yes. Not counted in ClinVar's aggregate classification.
Comment: This deletion of one nucleotide in POLE is denoted c.1487delG at the cDNA level and p.Gly496AlafsX10 (G496AfsX10) at the protein level. The normal sequence, with the base that is deleted in brackets, is AAGG[delG]CTCT. The deletion causes a frameshift which changes a Glycine to an Alanine at codon 496, and creates a premature stop codon at position 10 of the new reading frame. However, while missense variants located within the exonuclease domain of the POLE gene have been recognized as an underlying cause of Polymerase Proofreading-Associated Polyposis (PPAP), an autosomal dominant condition associated with polyposis and an increased risk for colon cancer (Palles 2013, Spier 2015), there are no data to support that loss-of-function variants, such as this one, confer the same cancer risks. Based on current evidence, we consider this variant to be of uncertain significance with respect to cancer. A recessive disease associated with one POLE variant has been reported in the literature. In one large consanguineous family, 14 affected relatives with a syndrome called FILS (facial dysmorphism, immunodeficiency, livedo, and short stature) were all found to be homozygous for POLE c.4444+3A>G, a splice variant which results in a small proportion (~10%) of normal POLE transcript (Pachlopnik Schmid 2012). In addition, an unrelated individual with a suspected chromosome instability syndrome was also found to be homozygous for POLE c.4444+3A>G (Thiffault 2015). We cannot assess whether the variant identified in the current patient would cause the same recessive disease. Individuals and family members of reproductive age may choose to consider assessment of potential reproductive risks.
ClinVar note: Reason: Older claim that does not account for recent evidence

Literature cited by the submitters: PubMed 23230001 (cited by Labcorp Genetics (formerly Invitae), Labcorp); PubMed 25948378 (cited by Labcorp Genetics (formerly Invitae), Labcorp); PubMed 30503519 (cited by Labcorp Genetics (formerly Invitae), Labcorp).

NM_006231.4(POLE):c.1487del (p.Gly496fs)

Gene: POLE (DNA polymerase epsilon, catalytic subunit; minus strand). Cytogenetic location: 12q24.33.
Variant type: Deletion.
Coding change: c.1487del on transcript NM_006231.4 (MANE Select); coding-DNA position 1487, one base deleted (G; older notation c.1487delG).
Protein change: p.Gly496fs; shifts the reading frame from glycine 496.
Molecular consequence: frameshift variant.
Genome position (GRCh38, 1-based): chr12:132,672,826, C deleted on the plus strand (G on the coding strand, the reverse complement: POLE is on the minus strand); the first of 3 consecutive C bases (chr12:132,672,826-132,672,828); deleting any one gives the same sequence. VCF-style (leftmost placement, unchanged base first): chr12-132672825-GC-G. GRCh37 (hg19) VCF-style: chr12-133249411-GC-G.
Other names: c.1487delG (NM_006231.3); short protein forms G496fs.
Identifiers: ClinVar variation 545829 (VCV000545829.4), dbSNP rs1555228358, ClinGen allele CA658821398.